The following is an entry in ClinVar:

NM_000455.5(STK11):c.1045GAGGAC[3] (p.349ED[3])

Genes: STK11 (serine/threonine kinase 11; plus strand), LOC130062899 (ATAC-STARR-seq lymphoblastoid active region 13597; plus strand). Cytogenetic location: 19p13.3.
Variant type: Microsatellite.
Coding change: c.1045GAGGAC[3] on transcript NM_000455.5 (MANE Select); three copies in a row of the 6-base unit GAGGAC starting at c.1045; the reference has two copies in a row; one copy, 6 bases duplicated; also written c.1051_1056dup.
Protein change: p.349ED[3].
Molecular consequence: inframe insertion.
Genome position (GRCh38, 1-based): chr19:1,223,115-1,223,120, GAGGAC duplicated; duplicating any 6 consecutive bases within chr19:1,223,105-1,223,120 gives the same sequence; the position shown is the placement nearest the transcript's 3' end. VCF-style (leftmost placement, unchanged base first): chr19-1223104-C-CGGACGA. GRCh37 (hg19) VCF-style: chr19-1223103-C-CGGACGA.
Other names: c.1045_1050dupGAGGAC (NM_000455.4); c.1051_1056dup (NM_000455.5).
Identifiers: ClinVar variation 422813 (VCV000422813.17), dbSNP rs762810203, ClinGen allele CA16620756.

ClinVar aggregate classification (germline): Uncertain significance. Review status: criteria provided, multiple submitters, no conflicts (2 of 4 stars). 5 submissions from 5 submitters: Uncertain significance (4). 1 of the submissions does not count toward it. Last evaluated 2025-11-03.

Conditions:
Hereditary cancer-predisposing syndrome. Also called: Neoplastic Syndromes, Hereditary; Hereditary Cancer Syndrome; Tumor predisposition; Hereditary neoplastic syndrome. Identifiers: Orphanet 140162, MedGen C0027672, MeSH D009386, MONDO:0015356.
Malignant tumor of breast. Also called: Malignant breast neoplasm; Cancer breast. Identifiers: MedGen C0006142, MONDO:0007254. Disease mechanism: loss of function.
Peutz-Jeghers syndrome (PJS). Also called: POLYPOSIS, HAMARTOMATOUS INTESTINAL; POLYPS-AND-SPOTS SYNDROME; Peutz-Jeghers polyposis; Periorificial lentiginosis syndrome. Identifiers: Orphanet 2869, MedGen C0031269, MeSH D010580, MONDO:0008280, OMIM 175200.

Submissions (5):

Labcorp Genetics (formerly Invitae), Labcorp
Classification: Uncertain significance for Peutz-Jeghers syndrome. Last evaluated: 2025-11-03. Review status: criteria provided, single submitter. Criteria: Invitae Variant Classification Sherloc (09022015). Collection method: clinical testing. Allele origin: germline.
Comment: This variant, c.1051_1056dup, results in the insertion of 2 amino acid(s) of the STK11 protein (p.Glu351_Asp352dup), but otherwise preserves the integrity of the reading frame. This variant is present in population databases (no rsID available, gnomAD 0.0009%). This variant has been observed in individual(s) with ovarian cancer (PMID: 34326862). ClinVar contains an entry for this variant (Variation ID: 422813). Experimental studies and prediction algorithms are not available or were not evaluated, and the functional significance of this variant is currently unknown. In summary, the available evidence is currently insufficient to determine the role of this variant in disease. Therefore, it has been classified as a Variant of Uncertain Significance.

Ambry Genetics
Classification: Uncertain significance for Hereditary cancer-predisposing syndrome. Last evaluated: 2025-03-27. Review status: criteria provided, single submitter. Criteria: Ambry Variant Classification Scheme 2023. Collection method: clinical testing. Allele origin: germline.
Comment: The c.1051_1056dupGAGGAC variant (also known as p.E351_D352dup), located in coding exon 8 of the STK11 gene, results from an in-frame duplication of GAGGAC at nucleotide positions 1051 to 1056. This results in the duplication of 2 extra residues (ED) between codons 351 and 352. This amino acid region is well conserved in available vertebrate species. In addition, this alteration is predicted to be neutral by in silico analysis (Choi Y et al. PLoS ONE. 2012; 7(10):e46688). Since supporting evidence is limited at this time, the clinical significance of this alteration remains unclear.

Color Diagnostics, LLC DBA Color Health
Classification: Uncertain significance for Hereditary cancer-predisposing syndrome. Last evaluated: 2025-03-17. Review status: criteria provided, single submitter. Criteria: ACMG Guidelines, 2015. Collection method: clinical testing. Allele origin: germline.
Comment: This variant is a two amino acid duplication located in exon 8 of the STK11 protein. To our knowledge, functional studies have not been reported for this variant. This variant has not been reported in individuals affected with STK11-related disorders in the literature. This variant has been identified in 1/243968 chromosomes in the general population by the Genome Aggregation Database (gnomAD). The available evidence is insufficient to determine the role of this variant in disease conclusively. Therefore, this variant is classified as a Variant of Uncertain Significance.

GeneDx
Classification: Uncertain significance. Last evaluated: 2021-09-17. Review status: criteria provided, single submitter. Criteria: GeneDx Variant Classification Process June 2021. Collection method: clinical testing. Allele origin: germline. Affected: yes.
Comment: In-frame insertion of 2 amino acids; Not observed at significant frequency in large population cohorts (Lek 2016); Has not been previously published as pathogenic or benign to our knowledge; In silico analysis supports that this variant does not alter protein structure/function; This variant is associated with the following publications: (PMID: 28900777)

Department of Pathology and Laboratory Medicine, Sinai Health System
Classification: Uncertain significance for Malignant tumor of breast. Review status: no assertion criteria provided. Collection method: clinical testing. Allele origin: unknown. Affected: yes. Study: The Canadian Open Genetics Repository (COGR). Not counted in ClinVar's aggregate classification.
Comment: The STK11 p.Glu351_Asp352dup variant was not identified in the literature nor was it identified in the dbSNP, Cosmic, MutDB, LOVD 3.0, Zhejiang Colon Cancer Database, Insight Hereditary Tumors Database, databases. The variant was identified in ClinVar (classified uncertain significance by GeneDx), Clinvitae (1x), and in control databases in 1 of 241680 chromosomes at a frequency of 0.000004 (Genome Aggregation Database Feb 27, 2017) in the European (Non-Finnish) population in 1 of 109618 chromosomes (freq: 0.000009), while not observed in the African, Ashkenazi Jewish, East Asian, European (Finnish), Latino, Other, and South Asian populations. This variant is an in-frame deletion resulting in the insertion of 2 residues (a glutamic acid (Glu) and aspartic (Asp) residue) at codon 352; the impact of this alteration on STK11 protein function is not known. The variant occurs outside of the splicing consensus sequence and 1 of 5 in silico or computational prediction software programs (SpliceSiteFinder, MaxEntScan, NNSPLICE, GeneSplicer, HumanSpliceFinder) predict a greater than 10% difference in splicing; this is not very predictive of pathogenicity. In summary, based on the above information the clinical significance of this variant cannot be determined with certainty at this time. This variant is classified as a variant of uncertain significance.

Literature cited by the submitters: PubMed 34326862 (cited by Labcorp Genetics (formerly Invitae), Labcorp).